The following is an entry in ClinVar:

ClinVar aggregate classification (germline): Uncertain significance. Review status: criteria provided, multiple submitters, no conflicts (2 of 4 stars). 3 submissions from 3 submitters: Uncertain significance (3). Last evaluated 2026-05-18.

Conditions:
Hereditary cancer-predisposing syndrome. Also called: Hereditary neoplastic syndrome; Neoplastic Syndromes, Hereditary; Tumor predisposition; Hereditary Cancer Syndrome. Identifiers: Orphanet 140162, MedGen C0027672, MeSH D009386, MONDO:0015356.
Familial cancer of breast. Also called: BREAST CANCER, FAMILIAL; Hereditary breast cancer; hereditary breast carcinoma. Identifiers: Orphanet 227535, MedGen C0346153, MONDO:0016419, OMIM 114480. Disease mechanism: loss of function.
Fanconi anemia complementation group J. Also called: BRIP1-Related Fanconi Anemia. Identifiers: Orphanet 84, MedGen C1836860, MONDO:0012187, OMIM 609054.

Submissions (3):

Ambry Genetics
Classification: Uncertain significance for Hereditary cancer-predisposing syndrome. Last evaluated: 2026-05-18. Review status: criteria provided, single submitter. Criteria: Ambry Variant Classification Scheme 2023. Collection method: clinical testing. Allele origin: germline.
Comment: The p.S469C variant (also known as c.1405A>T), located in coding exon 9 of the BRIP1 gene, results from an A to T substitution at nucleotide position 1405. The serine at codon 469 is replaced by cysteine, an amino acid with dissimilar properties. This amino acid position is conserved. In addition, the in silico prediction for this alteration is inconclusive. Based on the available evidence, the clinical significance of this variant remains unclear.

Labcorp Genetics (formerly Invitae), Labcorp
Classification: Uncertain significance for Familial cancer of breast; Fanconi anemia complementation group J. Last evaluated: 2024-07-15. Review status: criteria provided, single submitter. Criteria: Invitae Variant Classification Sherloc (09022015). Collection method: clinical testing. Allele origin: germline.
Comment: This sequence change replaces serine, which is neutral and polar, with cysteine, which is neutral and slightly polar, at codon 469 of the BRIP1 protein (p.Ser469Cys). This variant is not present in population databases (gnomAD no frequency). This variant has not been reported in the literature in individuals affected with BRIP1-related conditions. ClinVar contains an entry for this variant (Variation ID: 1004813). Advanced modeling of protein sequence and biophysical properties (such as structural, functional, and spatial information, amino acid conservation, physicochemical variation, residue mobility, and thermodynamic stability) has been performed at Invitae for this missense variant, however the output from this modeling did not meet the statistical confidence thresholds required to predict the impact of this variant on BRIP1 protein function. In summary, the available evidence is currently insufficient to determine the role of this variant in disease. Therefore, it has been classified as a Variant of Uncertain Significance.

Color Diagnostics, LLC DBA Color Health
Classification: Uncertain significance for Hereditary cancer-predisposing syndrome. Last evaluated: 2024-02-12. Review status: criteria provided, single submitter. Criteria: ACMG Guidelines, 2015. Collection method: clinical testing. Allele origin: germline.
Comment: This missense variant replaces serine with cysteine at codon 469 of the BRIP1 protein. Computational prediction is inconclusive regarding the impact of this variant on protein structure and function (internally defined REVEL score threshold 0.5 < inconclusive < 0.7, PMID: 27666373). To our knowledge, functional studies have not been reported for this variant. This variant has not been reported in individuals affected with BRIP1-related disorders in the literature. This variant has not been identified in the general population by the Genome Aggregation Database (gnomAD). The available evidence is insufficient to determine the role of this variant in disease conclusively. Therefore, this variant is classified as a Variant of Uncertain Significance.

NM_032043.3(BRIP1):c.1405A>T (p.Ser469Cys)

Gene: BRIP1 (BRCA1 interacting DNA helicase 1; minus strand). Cytogenetic location: 17q23.2.
Variant type: single nucleotide variant.
Coding change: c.1405A>T on transcript NM_032043.3 (MANE Select); coding-DNA position 1405, A replaced by T.
Protein change: p.Ser469Cys; replaces serine 469 with cysteine.
Molecular consequence: missense variant.
Genome position (GRCh38, 1-based): chr17:61,793,665, T>A on the plus strand (A>T on the coding strand, the complement: BRIP1 is on the minus strand). VCF-style: chr17-61793665-T-A. GRCh37 (hg19) VCF-style: chr17-59871026-T-A.
Other names: c.1405A>T (NM_032043.2); short protein forms S469C.
Identifiers: ClinVar variation 1004813 (VCV001004813.11), dbSNP rs2077854841, ClinGen allele CA400482180.
Genomic context (GRCh38, chr17:61,793,665, plus strand): 5'-TGGGAAAAGTAGCAGTGGTGATACCCATTTTGTGTAAAGTTAAGAGCATTTCATTTCCAC[T>A]CCATATTTTACAAGCTGATTCATAATCTCTTTCTACAAGATATTCAGCGTTTGCTTCTAA-3'
Protein context (NP_114432.2, residues 459-479): RDYESACKIW[Ser469Cys]GNEMLLTLHK